The following is an entry in ClinVar:

NM_006922.4(SCN3A):c.3268T>G (p.Tyr1090Asp)

Gene: SCN3A (sodium voltage-gated channel alpha subunit 3; minus strand). Cytogenetic location: 2q24.3.
Variant type: single nucleotide variant.
Coding change: c.3268T>G on transcript NM_006922.4 (MANE Select); coding-DNA position 3268, T replaced by G.
Protein change: p.Tyr1090Asp; replaces tyrosine 1090 with aspartic acid.
Molecular consequence: missense variant.
Genome position (GRCh38, 1-based): chr2:165,127,756, A>C on the plus strand (T>G on the coding strand, the complement: SCN3A is on the minus strand). VCF-style: chr2-165127756-A-C. GRCh37 (hg19) VCF-style: chr2-165984266-A-C.
Other names: c.3121T>G, p.Tyr1041Asp (NM_001081676.2, NM_001081677.2); short protein forms Y1041D, Y1090D.
Identifiers: ClinVar variation 1307631 (VCV001307631.5), dbSNP rs780784373, ClinGen allele CA349040627.

ClinVar aggregate classification (germline): Uncertain significance. Review status: criteria provided, multiple submitters, no conflicts (2 of 4 stars). 2 submissions from 2 submitters: Uncertain significance (2). Last evaluated 2023-06-13.

Submissions (2):

Labcorp Genetics (formerly Invitae), Labcorp
Classification: Uncertain significance. Last evaluated: 2023-06-13. Review status: criteria provided, single submitter. Criteria: Invitae Variant Classification Sherloc (09022015). Collection method: clinical testing. Allele origin: germline.
Comment: This variant is not present in population databases (gnomAD no frequency). This sequence change replaces tyrosine, which is neutral and polar, with aspartic acid, which is acidic and polar, at codon 1090 of the SCN3A protein (p.Tyr1090Asp). This variant has not been reported in the literature in individuals affected with SCN3A-related conditions. ClinVar contains an entry for this variant (Variation ID: 1307631). Advanced modeling of protein sequence and biophysical properties (such as structural, functional, and spatial information, amino acid conservation, physicochemical variation, residue mobility, and thermodynamic stability) performed at Invitae indicates that this missense variant is not expected to disrupt SCN3A protein function. In summary, the available evidence is currently insufficient to determine the role of this variant in disease. Therefore, it has been classified as a Variant of Uncertain Significance.

GeneDx
Classification: Uncertain significance. Last evaluated: 2019-08-16. Review status: criteria provided, single submitter. Criteria: GeneDx Variant Classification Process June 2021. Collection method: clinical testing. Allele origin: germline. Affected: yes.
Comment: Not observed in large population cohorts (Lek et al., 2016); In silico analysis, which includes protein predictors and evolutionary conservation, supports a deleterious effect; Has not been previously published as pathogenic or benign to our knowledge